The following is an entry in ClinVar:

NM_000342.4(SLC4A1):c.113A>C (p.Asp38Ala)

Gene: SLC4A1 (solute carrier family 4 member 1 (Diego blood group); minus strand). Cytogenetic location: 17q21.31.
Variant type: single nucleotide variant.
Coding change: c.113A>C on transcript NM_000342.4 (MANE Select); coding-DNA position 113, A replaced by C.
Protein change: p.Asp38Ala; replaces aspartic acid 38 with alanine.
Molecular consequence: missense variant.
Genome position (GRCh38, 1-based): chr17:44,261,630, T>G on the plus strand (A>C on the coding strand, the complement: SLC4A1 is on the minus strand). VCF-style: chr17-44261630-T-G. GRCh37 (hg19) VCF-style: chr17-42338998-T-G.
Other names: short protein forms D38A.
Identifiers: ClinVar variation 255903 (VCV000255903.34), dbSNP rs5035, ClinGen allele CA8600706.
Genomic context (GRCh38, chr17:44,261,630, plus strand): 5'-CTCACCTTGTGGGTACCCGGGTGTGATGTGGTGTGGTAGTCTGTGGCTGTTGCCTCGGTG[T>G]CGTGAGCTGAAAACCAGAGGTCGGTTAGTATTGACCTGACCGTCCCCCACCTGAGGCTCT-3'
Protein context (NP_000333.1, residues 28-48): ESQMEEPAAH[Asp38Ala]TEATATDYHT

ClinVar aggregate classification (germline): Benign. Review status: criteria provided, multiple submitters, no conflicts (2 of 4 stars). 10 submissions from 8 submitters: Benign (10). Last evaluated 2026-02-01.

Conditions:
Hereditary spherocytosis type 4. Also called: SLC4A1-Related Spherocytosis. Identifiers: Orphanet 822, MedGen C2675212, MONDO:0012981, OMIM 612653.
Autosomal dominant distal renal tubular acidosis (DRTA1). Also called: RTA, CLASSIC TYPE; RTA, DISTAL TYPE, AUTOSOMAL DOMINANT; RTA, GRADIENT TYPE; Renal Tubular Acidosis, Type I; RENAL TUBULAR ACIDOSIS, DISTAL, 1. Identifiers: Orphanet 93608, MedGen CN280572, MONDO:0008368, OMIM 179800.
Hemolytic anemia. Identifiers: MedGen C0002878, MONDO:0003664, HP:0001878.

Allele frequency attached by ClinVar (database versions not stated): gnomAD 0.02695 and 0.02775; ESP Exome Variant Server 0.02776; TOPMed 0.03022; 1000 Genomes Project 30x 0.03107; 1000 Genomes Project 0.03375.

Submissions (10):

Labcorp Genetics (formerly Invitae), Labcorp
Classification: Benign. Last evaluated: 2026-02-01. Review status: criteria provided, single submitter. Criteria: Invitae Variant Classification Sherloc (09022015). Collection method: clinical testing. Allele origin: germline.

ARUP Laboratories, Molecular Genetics and Genomics, ARUP Laboratories
Classification: Benign. Last evaluated: 2025-07-17. Review status: criteria provided, single submitter. Criteria: ARUP Molecular Germline Variant Investigation Process 2024. Collection method: clinical testing. Allele origin: germline.

Blueprint Genetics
Classification: Benign. Last evaluated: 2024-11-27. Review status: criteria provided, single submitter. Criteria: ACMG Guidelines, 2015. Collection method: clinical testing. Allele origin: germline.

Mayo Clinic Laboratories, Mayo Clinic
Classification: Benign. Last evaluated: 2022-05-17. Review status: criteria provided, single submitter. Criteria: ACMG Guidelines, 2015. Collection method: clinical testing. Allele origin: germline. Observed: 160 variant alleles.
Comment: BS1, BS2

GeneDx
Classification: Benign. Last evaluated: 2020-02-03. Review status: criteria provided, single submitter. Criteria: GeneDx Variant Classification Process June 2021. Collection method: clinical testing. Allele origin: germline. Affected: yes.

Illumina Laboratory Services, Illumina
Classification: Benign for Autosomal dominant distal renal tubular acidosis. Last evaluated: 2018-01-13. Review status: criteria provided, single submitter. Criteria: ICSL Variant Classification Criteria 13 December 2019. Collection method: clinical testing. Allele origin: germline.
Comment: This variant was observed in the ICSL laboratory as part of a predisposition screen in an ostensibly healthy population. It had not been previously curated by ICSL or reported in the Human Gene Mutation Database (HGMD: prior to June 1st, 2018), and was therefore a candidate for classification through an automated scoring system. Utilizing variant allele frequency, disease prevalence and penetrance estimates, and inheritance mode, an automated score was calculated to assess if this variant is too frequent to cause the disease. Based on the score and internal cut-off values, a variant classified as benign is not then subjected to further curation. The score for this variant resulted in a classification of benign for this disease.

Illumina Laboratory Services, Illumina
Classification: Benign for Hemolytic anemia. Last evaluated: 2018-01-13. Review status: criteria provided, single submitter. Criteria: ICSL Variant Classification Criteria 13 December 2019. Collection method: clinical testing. Allele origin: germline.
Comment: the same text as in the submission from Illumina Laboratory Services, Illumina above.

Illumina Laboratory Services, Illumina
Classification: Benign for Hereditary spherocytosis type 4. Last evaluated: 2018-01-13. Review status: criteria provided, single submitter. Criteria: ICSL Variant Classification Criteria 13 December 2019. Collection method: clinical testing. Allele origin: germline.
Comment: the same text as in the submission from Illumina Laboratory Services, Illumina above.

Breakthrough Genomics
Classification: Benign. Review status: criteria provided, single submitter. Criteria: ACMG Guidelines, 2015. Collection method: not provided. Allele origin: germline. Inheritance: Autosomal recessive inheritance. Affected: yes.

PreventionGenetics, part of Exact Sciences
Classification: Benign. Review status: criteria provided, single submitter. Criteria: ACMG Guidelines, 2015. Collection method: clinical testing. Allele origin: germline.